The following is an entry in ClinVar:

ClinVar aggregate classification (germline): Uncertain significance (1 of 4 stars; one submission).

gnomAD v4.1: 1 of 1,611,978 alleles (0.000062%); highest among the groups gnomAD compares: Non-Finnish European, 0.000085%; no homozygotes.

Submission:

Labcorp Genetics (formerly Invitae), Labcorp
Classification: Uncertain significance. Last evaluated: 2025-10-28. Review status: criteria provided, single submitter. Criteria: Invitae Variant Classification Sherloc (09022015). Collection method: clinical testing. Allele origin: germline.
Comment: This sequence change replaces threonine, which is neutral and polar, with asparagine, which is neutral and polar, at codon 445 of the CDH2 protein (p.Thr445Asn). This variant is present in population databases (no rsID available, gnomAD 0.0009%). This variant has not been reported in the literature in individuals affected with CDH2-related conditions. An algorithm developed to predict the effect of missense changes on protein structure and function (PolyPhen-2) suggests that this variant is likely to be disruptive. In summary, the available evidence is currently insufficient to determine the role of this variant in disease. Therefore, it has been classified as a Variant of Uncertain Significance.

NM_001792.5(CDH2):c.1334C>A (p.Thr445Asn)

Gene: CDH2 (cadherin 2; minus strand). Cytogenetic location: 18q12.1.
Variant type: single nucleotide variant.
Coding change: c.1334C>A on transcript NM_001792.5 (MANE Select); coding-DNA position 1334, C replaced by A.
Protein change: p.Thr445Asn; replaces threonine 445 with asparagine.
Molecular consequence: missense variant.
Genome position (GRCh38, 1-based): chr18:27,992,665, G>T on the plus strand (C>A on the coding strand, the complement: CDH2 is on the minus strand). VCF-style: chr18-27992665-G-T. GRCh37 (hg19) VCF-style: chr18-25572629-G-T.
Other names: c.1241C>A, p.Thr414Asn (NM_001308176.2); short protein forms T414N, T445N.
Identifiers: ClinVar variation 4703988 (VCV004703988.1).